The following is an entry in ClinVar:

ClinVar aggregate classification (germline): Uncertain significance (1 of 4 stars; one submission).

Conditions:
Tuberous sclerosis 2 (TSC2). Identifiers: Orphanet 805, MedGen C1860707, MONDO:0013199, OMIM 613254.

Submission:

Labcorp Genetics (formerly Invitae), Labcorp
Classification: Uncertain significance for Tuberous sclerosis 2. Last evaluated: 2024-02-19. Review status: criteria provided, single submitter. Criteria: Invitae Variant Classification Sherloc (09022015). Collection method: clinical testing. Allele origin: germline.
Comment: This sequence change replaces serine, which is neutral and polar, with glycine, which is neutral and non-polar, at codon 997 of the TSC2 protein (p.Ser997Gly). This variant is not present in population databases (gnomAD no frequency). This variant has not been reported in the literature in individuals affected with TSC2-related conditions. ClinVar contains an entry for this variant (Variation ID: 535971). Advanced modeling of protein sequence and biophysical properties (such as structural, functional, and spatial information, amino acid conservation, physicochemical variation, residue mobility, and thermodynamic stability) performed at Invitae indicates that this missense variant is not expected to disrupt TSC2 protein function with a negative predictive value of 95%. In summary, the available evidence is currently insufficient to determine the role of this variant in disease. Therefore, it has been classified as a Variant of Uncertain Significance.

NM_000548.5(TSC2):c.2989A>G (p.Ser997Gly)

Gene: TSC2 (TSC complex subunit 2; plus strand). Cytogenetic location: 16p13.3.
Variant type: single nucleotide variant.
Coding change: c.2989A>G on transcript NM_000548.5 (MANE Select); coding-DNA position 2989, A replaced by G.
Protein change: p.Ser997Gly; replaces serine 997 with glycine.
Molecular consequence: missense variant.
Genome position (GRCh38, 1-based): chr16:2,079,054, A>G. VCF-style: chr16-2079054-A-G. GRCh37 (hg19) VCF-style: chr16-2129055-A-G.
Other names: c.2860A>G, p.Ser954Gly (NM_001363528.2, NM_001370405.1, NM_021055.3); c.2857A>G, p.Ser953Gly (NM_001370404.1, NM_001077183.3); c.2989A>G, p.Ser997Gly (NM_001114382.3); c.2749A>G, p.Ser917Gly (NM_001318827.2); c.2713A>G, p.Ser905Gly (NM_001318829.2); c.2257A>G, p.Ser753Gly (NM_001318831.2); c.2890A>G, p.Ser964Gly (NM_001318832.2); short protein forms S997G, S753G, S954G, S964G, S953G, S905G, S917G.
Identifiers: ClinVar variation 535971 (VCV000535971.8), dbSNP rs1555510209, ClinGen allele CA394283662.